The following is an entry in ClinVar:

NM_004369.4(COL6A3):c.7343T>C (p.Val2448Ala)

Gene: COL6A3 (collagen type VI alpha 3 chain; minus strand). Cytogenetic location: 2q37.3.
Variant type: single nucleotide variant.
Coding change: c.7343T>C on transcript NM_004369.4 (MANE Select); coding-DNA position 7343, T replaced by C.
Protein change: p.Val2448Ala; replaces valine 2448 with alanine.
Molecular consequence: missense variant.
Genome position (GRCh38, 1-based): chr2:237,344,675, A>G on the plus strand (T>C on the coding strand, the complement: COL6A3 is on the minus strand). VCF-style: chr2-237344675-A-G. GRCh37 (hg19) VCF-style: chr2-238253318-A-G.
Other names: c.5522T>C, p.Val1841Ala (NM_057166.5); c.6725T>C, p.Val2242Ala (NM_057167.4); short protein forms V1841A, V2242A, V2448A.
Identifiers: ClinVar variation 3661388 (VCV003661388.2).

ClinVar aggregate classification (germline): Uncertain significance (1 of 4 stars; one submission).

Conditions:
Bethlem myopathy 1A. Also called: Bethlem myopathy 1; MYOPATHY, BENIGN CONGENITAL, WITH CONTRACTURES; Bethlem Muscular Dystrophy. Identifiers: Orphanet 610, MedGen CN029274, MONDO:0024530, OMIM 158810.

Submission:

Labcorp Genetics (formerly Invitae), Labcorp
Classification: Uncertain significance for Bethlem myopathy 1A. Last evaluated: 2025-11-21. Review status: criteria provided, single submitter. Criteria: Invitae Variant Classification Sherloc (09022015). Collection method: clinical testing. Allele origin: germline.
Comment: This sequence change replaces valine, which is neutral and non-polar, with alanine, which is neutral and non-polar, at codon 2448 of the COL6A3 protein (p.Val2448Ala). This variant is not present in population databases (gnomAD no frequency). This variant has not been reported in the literature in individuals affected with COL6A3-related conditions. ClinVar contains an entry for this variant (Variation ID: 3661388). Invitae Evidence Modeling of protein sequence and biophysical properties (such as structural, functional, and spatial information, amino acid conservation, physicochemical variation, residue mobility, and thermodynamic stability) has been performed for this missense variant. However, the output from this modeling did not meet the statistical confidence thresholds required to predict the impact of this variant on COL6A3 protein function. In summary, the available evidence is currently insufficient to determine the role of this variant in disease. Therefore, it has been classified as a Variant of Uncertain Significance.